The following is an entry in ClinVar:

ClinVar aggregate classification (germline): Conflicting classifications of pathogenicity. Review status: criteria provided, conflicting classifications (1 of 4 stars). 2 submissions from 2 submitters: Uncertain significance (1); Likely benign (1). Last evaluated 2024-07-05.

Conditions:
Spermatogenic failure 18. Identifiers: MedGen C4539783, MONDO:0054615, OMIM 617576.
Ciliary dyskinesia, primary, 37 (CILD37). Also called: CILIARY DYSKINESIA, PRIMARY, 37, WITH OR WITHOUT SITUS INVERSUS. Identifiers: MedGen C4539798, MONDO:0033204, OMIM 617577.

gnomAD v4.1: 28 of 1,613,996 alleles (0.0017%); highest among the groups gnomAD compares: Admixed American, 0.017%; no homozygotes.

Submissions (2):

Labcorp Genetics (formerly Invitae), Labcorp
Classification: Uncertain significance for Ciliary dyskinesia, primary, 37; Spermatogenic failure 18. Last evaluated: 2024-07-05. Review status: criteria provided, single submitter. Criteria: Invitae Variant Classification Sherloc (09022015). Collection method: clinical testing. Allele origin: germline.
Comment: This sequence change affects codon 2672 of the DNAH1 mRNA. It is a 'silent' change, meaning that it does not change the encoded amino acid sequence of the DNAH1 protein. This variant is present in population databases (rs534846709, gnomAD 0.02%). This variant has not been reported in the literature in individuals affected with DNAH1-related conditions. Algorithms developed to predict the effect of sequence changes on RNA splicing suggest that this variant may create or strengthen a splice site. In summary, the available evidence is currently insufficient to determine the role of this variant in disease. Therefore, it has been classified as a Variant of Uncertain Significance.

Blueprint Genetics
Classification: Likely benign. Last evaluated: 2024-05-17. Review status: criteria provided, single submitter. Criteria: ACMG Guidelines, 2015. Collection method: clinical testing. Allele origin: germline.

NM_015512.5(DNAH1):c.8016G>A (p.Ala2672=)

Gene: DNAH1 (dynein axonemal heavy chain 1; plus strand). Cytogenetic location: 3p21.1.
Variant type: single nucleotide variant.
Coding change: c.8016G>A on transcript NM_015512.5 (MANE Select); coding-DNA position 8016, G replaced by A.
Protein change: p.Ala2672=; no amino-acid change (alanine 2672 retained).
Molecular consequence: synonymous variant.
Genome position (GRCh38, 1-based): chr3:52,383,460, G>A. VCF-style: chr3-52383460-G-A. GRCh37 (hg19) VCF-style: chr3-52417476-G-A.
Identifiers: ClinVar variation 3752298 (VCV003752298.3).